The following is an entry in ClinVar:

ClinVar aggregate classification (germline): Uncertain significance (1 of 4 stars; one submission).

Conditions:
Polyhydramnios, megalencephaly, and symptomatic epilepsy (PMSE). Also called: PMSE SYNDROME. Identifiers: Orphanet 500533, MedGen C1970203, MONDO:0012611, OMIM 611087.

Submission:

Labcorp Genetics (formerly Invitae), Labcorp
Classification: Uncertain significance for Polyhydramnios, megalencephaly, and symptomatic epilepsy. Last evaluated: 2022-02-08. Review status: criteria provided, single submitter. Criteria: Invitae Variant Classification Sherloc (09022015). Collection method: clinical testing. Allele origin: germline.
Comment: In summary, the available evidence is currently insufficient to determine the role of this variant in disease. Therefore, it has been classified as a Variant of Uncertain Significance. Algorithms developed to predict the effect of missense changes on protein structure and function (SIFT, PolyPhen-2, Align-GVGD) all suggest that this variant is likely to be tolerated. This variant has not been reported in the literature in individuals affected with STRADA-related conditions. This variant is not present in population databases (gnomAD no frequency). This sequence change replaces aspartic acid, which is acidic and polar, with glutamic acid, which is acidic and polar, at codon 140 of the STRADA protein (p.Asp140Glu).

NM_001003787.4(STRADA):c.420C>A (p.Asp140Glu)

Gene: STRADA (STE20 related adaptor alpha; minus strand). Cytogenetic location: 17q23.3.
Variant type: single nucleotide variant.
Coding change: c.420C>A on transcript NM_001003787.4 (MANE Select); coding-DNA position 420, C replaced by A.
Protein change: p.Asp140Glu; replaces aspartic acid 140 with glutamic acid.
Molecular consequence: missense variant. On other transcripts: non-coding transcript variant (1).
Genome position (GRCh38, 1-based): chr17:63,710,765, G>T on the plus strand (C>A on the coding strand, the complement: STRADA is on the minus strand). VCF-style: chr17-63710765-G-T. GRCh37 (hg19) VCF-style: chr17-61788125-G-T.
Other names: c.309C>A, p.Asp103Glu (NM_001003786.3, NM_001363789.1, NM_153335.6); c.246C>A, p.Asp82Glu (NM_001003788.3, NM_001363790.1, NM_001363791.1); c.333C>A, p.Asp111Glu (NM_001165969.2, NM_001363787.1, NM_001411084.1); c.288C>A, p.Asp96Glu (NM_001165970.2); c.396C>A, p.Asp132Glu (NM_001363786.1); c.420C>A, p.Asp140Glu (NM_001363788.1, NM_001411083.1, NM_001411085.1); short protein forms D103E, D132E, D111E, D96E, D140E, D82E.
Identifiers: ClinVar variation 2142135 (VCV002142135.4), dbSNP rs774344605, ClinGen allele CA400592964.